The following is an entry in ClinVar:

ClinVar aggregate classification (germline): Uncertain significance (1 of 4 stars; one submission).

Conditions:
Inborn genetic diseases. Identifiers: MedGen C0950123, MeSH D030342.

Submission:

Ambry Genetics
Classification: Uncertain significance for Inborn genetic diseases. Last evaluated: 2019-11-21. Review status: criteria provided, single submitter. Criteria: Ambry Variant Classification Scheme 2023. Collection method: clinical testing. Allele origin: germline.
Comment: The p.Q528H variant (also known as c.1584G>T), located in coding exon 14 of the DCTN1 gene, results from a G to T substitution at nucleotide position 1584. The amino acid change results in glutamine to histidine at codon 528, an amino acid with highly similar properties. However, this change occurs in the last base pair of coding exon 14, which makes it likely to have some effect on normal mRNA splicing. This amino acid position is well conserved in available vertebrate species. Using the BDGP and ESEfinder splice site prediction tools, this alteration is predicted to weaken the efficiency of the native splice donor site; however, direct evidence is unavailable and loss of function of DCTN1 has not been clearly established as a mechanism of disease. In addition, the in silico prediction for this alteration is inconclusive. Since supporting evidence is limited at this time, the clinical significance of this alteration remains unclear.

NM_004082.5(DCTN1):c.1584G>T (p.Gln528His)

Gene: DCTN1 (dynactin subunit 1; minus strand). Cytogenetic location: 2p13.1.
Variant type: single nucleotide variant.
Coding change: c.1584G>T on transcript NM_004082.5 (MANE Select); coding-DNA position 1584, G replaced by T.
Protein change: p.Gln528His; replaces glutamine 528 with histidine.
Molecular consequence: missense variant. On other transcripts: non-coding transcript variant (1).
Genome position (GRCh38, 1-based): chr2:74,369,300, C>A on the plus strand (G>T on the coding strand, the complement: DCTN1 is on the minus strand). VCF-style: chr2-74369300-C-A. GRCh37 (hg19) VCF-style: chr2-74596427-C-A.
Other names: c.1524G>T, p.Gln508His (NM_001135040.3); c.1182G>T, p.Gln394His (NM_001135041.3, NM_023019.4); c.1473G>T, p.Gln491His (NM_001190836.2); c.1563G>T, p.Gln521His (NM_001190837.2); c.1533G>T, p.Gln511His (NM_001378991.1); c.1515G>T, p.Gln505His (NM_001378992.1); short protein forms Q394H, Q508H, Q511H, Q528H, Q491H, Q521H, Q505H.
Identifiers: ClinVar variation 1775777 (VCV001775777.2), dbSNP rs2529144806, ClinGen allele CA347357465.